The following is an entry in ClinVar:

NM_018344.6(SLC29A3):c.613G>A (p.Gly205Arg)

Gene: SLC29A3 (solute carrier family 29 member 3; plus strand). Cytogenetic location: 10q22.1.
Variant type: single nucleotide variant.
Coding change: c.613G>A on transcript NM_018344.6 (MANE Select); coding-DNA position 613, G replaced by A.
Protein change: p.Gly205Arg; replaces glycine 205 with arginine.
Molecular consequence: missense variant. On other transcripts: non-coding transcript variant (2).
Genome position (GRCh38, 1-based): chr10:71,356,083, G>A. VCF-style: chr10-71356083-G-A. GRCh37 (hg19) VCF-style: chr10-73115840-G-A.
Other names: c.613G>A, p.Gly205Arg (NM_001174098.2); c.379G>A, p.Gly127Arg (NM_001363518.2); short protein forms G127R, G205R.
Identifiers: ClinVar variation 2640568 (VCV002640568.24), dbSNP rs2492484619, ClinGen allele CA377111114.

ClinVar aggregate classification (germline): Uncertain significance (1 of 4 stars; one submission).

Allele frequency attached by ClinVar (database versions not stated): gnomAD exomes below 0.00001.

Submission:

CeGaT Center for Human Genetics Tuebingen
Classification: Uncertain significance. Last evaluated: 2022-05-01. Review status: criteria provided, single submitter. Criteria: CeGaT Center For Human Genetics Tuebingen Variant Classification Criteria Version 2. Collection method: clinical testing. Allele origin: germline. Affected: yes. Observed: 1 variant allele.
Comment: SLC29A3: PM2